The following is an entry in ClinVar:

NM_144773.4(PROKR2):c.451A>G (p.Ile151Val)

Gene: PROKR2 (prokineticin receptor 2; minus strand). Cytogenetic location: 20p12.3.
Variant type: single nucleotide variant.
Coding change: c.451A>G on transcript NM_144773.4 (MANE Select); coding-DNA position 451, A replaced by G.
Protein change: p.Ile151Val; replaces isoleucine 151 with valine.
Molecular consequence: missense variant.
Genome position (GRCh38, 1-based): chr20:5,313,919, T>C on the plus strand (A>G on the coding strand, the complement: PROKR2 is on the minus strand). VCF-style: chr20-5313919-T-C. GRCh37 (hg19) VCF-style: chr20-5294565-T-C.
Other names: short protein forms I151V.
Identifiers: ClinVar variation 3713518 (VCV003713518.2).

ClinVar aggregate classification (germline): Uncertain significance (1 of 4 stars; one submission).

Submission:

Labcorp Genetics (formerly Invitae), Labcorp
Classification: Uncertain significance. Last evaluated: 2024-03-10. Review status: criteria provided, single submitter. Criteria: Invitae Variant Classification Sherloc (09022015). Collection method: clinical testing. Allele origin: germline.
Comment: This sequence change replaces isoleucine, which is neutral and non-polar, with valine, which is neutral and non-polar, at codon 151 of the PROKR2 protein (p.Ile151Val). This variant is present in population databases (no rsID available, gnomAD 0.003%). This variant has not been reported in the literature in individuals affected with PROKR2-related conditions. Advanced modeling of protein sequence and biophysical properties (such as structural, functional, and spatial information, amino acid conservation, physicochemical variation, residue mobility, and thermodynamic stability) performed at Invitae indicates that this missense variant is not expected to disrupt PROKR2 protein function with a negative predictive value of 80%. In summary, the available evidence is currently insufficient to determine the role of this variant in disease. Therefore, it has been classified as a Variant of Uncertain Significance.